The following is an entry in ClinVar:

ClinVar aggregate classification (germline): Likely benign. Review status: criteria provided, multiple submitters, no conflicts (2 of 4 stars). 2 submissions from 2 submitters: Likely benign (2). Last evaluated 2022-06-01.

Allele frequency attached by ClinVar (database versions not stated): gnomAD exomes 0.00003 and 0.00012; gnomAD 0.00005 and 0.00007; TOPMed 0.00007; 1000 Genomes Project 30x 0.00016; 1000 Genomes Project 0.00020.
gnomAD v4.1: 48 of 1,550,174 alleles (0.0031%); highest among the groups gnomAD compares: Admixed American, 0.039%; no homozygotes.

Submissions (2):

CeGaT Center for Human Genetics Tuebingen
Classification: Likely benign. Last evaluated: 2022-06-01. Review status: criteria provided, single submitter. Criteria: CeGaT Center For Human Genetics Tuebingen Variant Classification Criteria Version 2. Collection method: clinical testing. Allele origin: germline. Affected: yes. Observed: 1 variant allele.
Comment: WDR81: BP4, BP7

Labcorp Genetics (formerly Invitae), Labcorp
Classification: Likely benign. Last evaluated: 2018-04-23. Review status: criteria provided, single submitter. Criteria: Invitae Variant Classification Sherloc (09022015). Collection method: clinical testing. Allele origin: germline.

NM_001163809.2(WDR81):c.2424G>A (p.Thr808=)

Gene: WDR81 (WD repeat domain 81; plus strand). Cytogenetic location: 17p13.3.
Variant type: single nucleotide variant.
Coding change: c.2424G>A on transcript NM_001163809.2 (MANE Select); coding-DNA position 2424, G replaced by A.
Protein change: p.Thr808=; no amino-acid change (threonine 808 retained).
Molecular consequence: synonymous variant. On other transcripts: intron variant (3).
Genome position (GRCh38, 1-based): chr17:1,727,383, G>A. VCF-style: chr17-1727383-G-A. GRCh37 (hg19) VCF-style: chr17-1630677-G-A.
Other names: c.-123-607G>A (NM_152348.4); c.59-2997G>A (NM_001163673.2); c.-15+2597G>A (NM_001163811.2).
Identifiers: ClinVar variation 723207 (VCV000723207.27), dbSNP rs576125095, ClinGen allele CA286873392.